The following is an entry in ClinVar:

NM_005876.5(SPEG):c.3469C>T (p.Arg1157Trp)

Gene: SPEG (striated muscle enriched protein kinase; plus strand). Cytogenetic location: 2q35.
Variant type: single nucleotide variant.
Coding change: c.3469C>T on transcript NM_005876.5 (MANE Select); coding-DNA position 3469, C replaced by T.
Protein change: p.Arg1157Trp; replaces arginine 1157 with tryptophan.
Molecular consequence: missense variant.
Genome position (GRCh38, 1-based): chr2:219,469,026, C>T. VCF-style: chr2-219469026-C-T. GRCh37 (hg19) VCF-style: chr2-220333748-C-T.
Other names: short protein forms R1157W.
Identifiers: ClinVar variation 1902106 (VCV001902106.5), dbSNP rs759013531, ClinGen allele CA2126173.

ClinVar aggregate classification (germline): Uncertain significance. Review status: criteria provided, multiple submitters, no conflicts (2 of 4 stars). 2 submissions from 2 submitters: Uncertain significance (2). Last evaluated 2024-09-16.

Conditions:
Inborn genetic diseases. Identifiers: MedGen C0950123, MeSH D030342.

Allele frequency attached by ClinVar (database versions not stated): gnomAD exomes 0.00002; TOPMed 0.00002; ExAC 0.00007.

Submissions (2):

Labcorp Genetics (formerly Invitae), Labcorp
Classification: Uncertain significance. Last evaluated: 2024-09-16. Review status: criteria provided, single submitter. Criteria: Invitae Variant Classification Sherloc (09022015). Collection method: clinical testing. Allele origin: germline.
Comment: This sequence change replaces arginine, which is basic and polar, with tryptophan, which is neutral and slightly polar, at codon 1157 of the SPEG protein (p.Arg1157Trp). This variant is present in population databases (rs759013531, gnomAD 0.01%). This variant has not been reported in the literature in individuals affected with SPEG-related conditions. ClinVar contains an entry for this variant (Variation ID: 1902106). An algorithm developed to predict the effect of missense changes on protein structure and function (PolyPhen-2) suggests that this variant is likely to be disruptive. In summary, the available evidence is currently insufficient to determine the role of this variant in disease. Therefore, it has been classified as a Variant of Uncertain Significance.

Ambry Genetics
Classification: Uncertain significance for Inborn genetic diseases. Last evaluated: 2021-06-22. Review status: criteria provided, single submitter. Criteria: Ambry Variant Classification Scheme 2023. Collection method: clinical testing. Allele origin: germline.